The following is an entry in ClinVar:

NM_052859.4(RFT1):c.657C>T (p.Ser219=)

Gene: RFT1 (RFT1 glycolipid translocator homolog; minus strand). Cytogenetic location: 3p21.1.
Variant type: single nucleotide variant.
Coding change: c.657C>T on transcript NM_052859.4 (MANE Select); coding-DNA position 657, C replaced by T.
Protein change: p.Ser219=; no amino-acid change (serine 219 retained).
Molecular consequence: synonymous variant.
Genome position (GRCh38, 1-based): chr3:53,119,923, G>A on the plus strand (C>T on the coding strand, the complement: RFT1 is on the minus strand). VCF-style: chr3-53119923-G-A. GRCh37 (hg19) VCF-style: chr3-53153939-G-A.
Identifiers: ClinVar variation 390029 (VCV000390029.8), dbSNP rs149157065, ClinGen allele CA2451391.

ClinVar aggregate classification (germline): Likely benign. Review status: criteria provided, multiple submitters, no conflicts (2 of 4 stars). 2 submissions from 2 submitters: Likely benign (2). Last evaluated 2025-12-16.

Conditions:
RFT1-congenital disorder of glycosylation (CDG1N). Also called: CDG In; Congenital disorder of glycosylation type In; RFT1-CDG. Identifiers: Orphanet 244310, MedGen C2677590, MONDO:0012783, OMIM 612015.

Allele frequency attached by ClinVar (database versions not stated): TOPMed 0.00004; gnomAD 0.00005; gnomAD exomes 0.00005 and 0.00011; ExAC 0.00006; ESP Exome Variant Server 0.00023.
gnomAD v4.1: 164 of 1,612,668 alleles (0.01%); highest among the groups gnomAD compares: Non-Finnish European, 0.014%; no homozygotes.

Submissions (2):

Labcorp Genetics (formerly Invitae), Labcorp
Classification: Likely benign for RFT1-congenital disorder of glycosylation. Last evaluated: 2025-12-16. Review status: criteria provided, single submitter. Criteria: Invitae Variant Classification Sherloc (09022015). Collection method: clinical testing. Allele origin: germline.

GeneDx
Classification: Likely benign. Last evaluated: 2016-10-20. Review status: criteria provided, single submitter. Criteria: GeneDx Variant Classification (06012015). Collection method: clinical testing. Allele origin: germline. Affected: yes.
Comment: This variant is considered likely benign or benign based on one or more of the following criteria: it is a conservative change, it occurs at a poorly conserved position in the protein, it is predicted to be benign by multiple in silico algorithms, and/or has population frequency not consistent with disease.